The following is an entry in ClinVar:

ClinVar aggregate classification (germline): Uncertain significance (1 of 4 stars; one submission).

Allele frequency attached by ClinVar (database versions not stated): gnomAD exomes below 0.00001; ExAC 0.00001.
gnomAD v4.1: 7 of 1,614,182 alleles (0.00043%); highest among the groups gnomAD compares: Non-Finnish European, 0.00059%; no homozygotes.

Submission:

Ambry Genetics
Classification: Uncertain significance. Last evaluated: 2023-12-14. Review status: criteria provided, single submitter. Criteria: Ambry Variant Classification Scheme 2023. Collection method: clinical testing. Allele origin: germline.
Comment: The p.Q391R variant (also known as c.1172A>G), located in coding exon 13 of the NPAT gene, results from an A to G substitution at nucleotide position 1172. The glutamine at codon 391 is replaced by arginine, an amino acid with highly similar properties. This amino acid position is conserved. In addition, this alteration is predicted to be tolerated by in silico analysis. Since supporting evidence is limited at this time, the clinical significance of this alteration remains unclear.

NM_002519.3(NPAT):c.1172A>G (p.Gln391Arg)

Gene: NPAT (nuclear protein, coactivator of histone transcription; minus strand). Cytogenetic location: 11q22.3.
Variant type: single nucleotide variant.
Coding change: c.1172A>G on transcript NM_002519.3 (MANE Select); coding-DNA position 1172, A replaced by G.
Protein change: p.Gln391Arg; replaces glutamine 391 with arginine.
Molecular consequence: missense variant.
Genome position (GRCh38, 1-based): chr11:108,173,812, T>C on the plus strand (A>G on the coding strand, the complement: NPAT is on the minus strand). VCF-style: chr11-108173812-T-C. GRCh37 (hg19) VCF-style: chr11-108044539-T-C.
Other names: c.1172A>G, p.Gln391Arg (NM_001321307.1); short protein forms Q391R.
Identifiers: ClinVar variation 3222449 (VCV003222449.1), dbSNP rs772190606, ClinGen allele CA6264049.